The following is an entry in ClinVar:

ClinVar aggregate classification (germline): Conflicting classifications of pathogenicity. Review status: criteria provided, conflicting classifications (1 of 4 stars). 3 submissions from 3 submitters: Likely pathogenic (1); Uncertain significance (1). 1 of the submissions does not count toward it. Last evaluated 2025-04-17.

Conditions:
Neurodevelopmental abnormality. Identifiers: MedGen C4022737, HP:0012759.
Congenital microcephaly - severe encephalopathy - progressive cerebral atrophy syndrome. Also called: Asparagine synthetase deficiency; ASNS DEFICIENCY. Identifiers: Orphanet 391376, MedGen C3809971, MONDO:0014258, OMIM 615574.

Allele frequency attached by ClinVar (database versions not stated): TOPMed below 0.00001.

Submissions (3):

Natera, Inc.
Classification: Likely pathogenic for Asparagine synthetase deficiency. Last evaluated: 2025-04-17. Review status: criteria provided, single submitter. Criteria: Natera Variant Classification Schema (03/2026). Collection method: clinical testing. Allele origin: germline.
Comment: The c.239A>G variant in ASNS is a missense variant predicted to cause substitution of asparagine to serine at amino acid 80. This variant is rare in the general population with a frequency below the threshold expected for the associated phenotype(s). This variant has been observed in one or more individuals affected with the associated recessive disease, as either homozygous or compound heterozygous with a second variant (PMID: 36613999). Functional studies show that this variant may disrupt protein function (PMID: 36613999). Computational prediction algorithms indicate this variant is likely to affect gene or protein function. Given the available evidence, this variant is classified as Likely Pathogenic.

GeneDx
Classification: Uncertain significance. Last evaluated: 2019-04-08. Review status: criteria provided, single submitter. Criteria: GeneDx Variant Classification Process June 2021. Collection method: clinical testing. Allele origin: germline. Affected: yes.
Comment: Not observed in large population cohorts (Lek et al., 2016); In silico analysis, which includes protein predictors and evolutionary conservation, supports a deleterious effect; Has not been previously published as pathogenic or benign to our knowledge

Department of Genetics, Rouen University Hospital, Normandy Center for Genomic and Personalized Medicine
Classification: Uncertain significance for Neurodevelopmental abnormality. Last evaluated: 2020-04-03. Review status: no assertion criteria provided. Collection method: clinical testing. Allele origin: maternal. Affected: yes. Not counted in ClinVar's aggregate classification.

Literature cited by the submitters: PubMed 36613999 (cited by Natera, Inc.).

NM_001673.5(ASNS):c.239A>G (p.Asn80Ser)

Genes: ASNS (asparagine synthetase (glutamine-hydrolyzing); minus strand), CZ1P-ASNS (CZ1P-ASNS readthrough; minus strand). Cytogenetic location: 7q21.3.
Variant type: single nucleotide variant.
Coding change: c.239A>G on transcript NM_001673.5 (MANE Select); coding-DNA position 239, A replaced by G.
Protein change: p.Asn80Ser; replaces asparagine 80 with serine.
Molecular consequence: missense variant. On other transcripts: non-coding transcript variant (1), intron variant (2).
Genome position (GRCh38, 1-based): chr7:97,868,918, T>C on the plus strand (A>G on the coding strand, the complement: ASNS is on the minus strand). VCF-style: chr7-97868918-T-C. GRCh37 (hg19) VCF-style: chr7-97498230-T-C.
Other names: c.176A>G, p.Asn59Ser (NM_001178075.2); c.239A>G, p.Asn80Ser (NM_001352496.2, NM_133436.3, NM_183356.4); c.-1+3433A>G (NM_001178076.2); c.-1+3123A>G (NM_001178077.1); short protein forms N59S, N80S.
Identifiers: ClinVar variation 984616 (VCV000984616.6), dbSNP rs1792113146, ClinGen allele CA368273799.